The following is an entry in ClinVar:

ClinVar aggregate classification (germline): Pathogenic/Likely pathogenic. Review status: criteria provided, multiple submitters, no conflicts (2 of 4 stars). 3 submissions from 3 submitters: Pathogenic (1); Likely pathogenic (2). Last evaluated 2023-11-04.

Conditions:
USH2A-related disorder. Also called: USH2A-related condition; USH2A-related disorders. Identifiers: MedGen CN239332.
Retinitis pigmentosa 39 (RP39). Identifiers: Orphanet 791, MedGen C3151138, MONDO:0013436, OMIM 613809.

Submissions (3):

Genome-Nilou Lab
Classification: Likely pathogenic for Retinitis pigmentosa 39. Last evaluated: 2023-11-04. Review status: criteria provided, single submitter. Criteria: ACMG Guidelines, 2015. Collection method: clinical testing. Allele origin: germline. Affected: no.

Labcorp Genetics (formerly Invitae), Labcorp
Classification: Pathogenic. Last evaluated: 2022-08-16. Review status: criteria provided, single submitter. Criteria: Invitae Variant Classification Sherloc (09022015). Collection method: clinical testing. Allele origin: germline.
Comment: For these reasons, this variant has been classified as Pathogenic. ClinVar contains an entry for this variant (Variation ID: 866897). This sequence change creates a premature translational stop signal (p.Arg4137Glufs*30) in the USH2A gene. It is expected to result in an absent or disrupted protein product. Loss-of-function variants in USH2A are known to be pathogenic (PMID: 10729113, 10909849, 20507924, 25649381). This variant is not present in population databases (gnomAD no frequency). This premature translational stop signal has been observed in individual(s) with Usher syndrome type II (PMID: 26338283).

Blueprint Genetics
Classification: Likely pathogenic for USH2A-related disorders. Last evaluated: 2017-09-01. Review status: criteria provided, single submitter. Criteria: ACMG Guidelines, 2015. Collection method: clinical testing. Allele origin: germline. Affected: yes. Observed: 1 variant allele.

Literature cited by the submitters: PubMed 10729113 (cited by Labcorp Genetics (formerly Invitae), Labcorp); PubMed 10909849 (cited by Labcorp Genetics (formerly Invitae), Labcorp); PubMed 20507924 (cited by Labcorp Genetics (formerly Invitae), Labcorp); PubMed 25649381 (cited by Labcorp Genetics (formerly Invitae), Labcorp); PubMed 26338283 (cited by Labcorp Genetics (formerly Invitae), Labcorp).

NM_206933.4(USH2A):c.12409del (p.Arg4137fs)

Gene: USH2A (usherin; minus strand). Cytogenetic location: 1q41.
Variant type: Deletion.
Coding change: c.12409del on transcript NM_206933.4 (MANE Select); coding-DNA position 12409, one base deleted (A; older notation c.12409delA).
Protein change: p.Arg4137fs; shifts the reading frame from arginine 4137.
Molecular consequence: frameshift variant.
Genome position (GRCh38, 1-based): chr1:215,675,502, T deleted on the plus strand (A on the coding strand, the reverse complement: USH2A is on the minus strand). VCF-style (leftmost placement, unchanged base first): chr1-215675501-CT-C. GRCh37 (hg19) VCF-style: chr1-215848843-CT-C.
Other names: short protein forms R4137fs.
Identifiers: ClinVar variation 866897 (VCV000866897.8), dbSNP rs1657992342, ClinGen allele CA916082114.